The following is an entry in ClinVar:

ClinVar aggregate classification (germline): Uncertain significance (1 of 4 stars; one submission).

Conditions:
Spastic paraplegia. Identifiers: MedGen C0037772, HP:0001258.

Allele frequency attached by ClinVar (database versions not stated): ExAC 0.00001; TOPMed 0.00001; gnomAD 0.00002; gnomAD exomes 0.00002.
gnomAD v4.1: 33 of 1,614,060 alleles (0.002%); highest among the groups gnomAD compares: Admixed American, 0.0033%; no homozygotes.

Submission:

Labcorp Genetics (formerly Invitae), Labcorp
Classification: Uncertain significance for Spastic paraplegia. Last evaluated: 2021-09-01. Review status: criteria provided, single submitter. Criteria: Invitae Variant Classification Sherloc (09022015). Collection method: clinical testing. Allele origin: germline.
Comment: This sequence change replaces serine with phenylalanine at codon 1427 of the ZFYVE26 protein (p.Ser1427Phe). The serine residue is weakly conserved and there is a large physicochemical difference between serine and phenylalanine. This variant is present in population databases (rs773756637, ExAC 0.009%). This variant has not been reported in the literature in individuals affected with ZFYVE26-related conditions. Algorithms developed to predict the effect of missense changes on protein structure and function are either unavailable or do not agree on the potential impact of this missense change (SIFT: "Deleterious"; PolyPhen-2: "Benign"; Align-GVGD: "Class C15"). In summary, the available evidence is currently insufficient to determine the role of this variant in disease. Therefore, it has been classified as a Variant of Uncertain Significance.

NM_015346.4(ZFYVE26):c.4280C>T (p.Ser1427Phe)

Gene: ZFYVE26 (zinc finger FYVE-type containing 26; minus strand). Cytogenetic location: 14q24.1.
Variant type: single nucleotide variant.
Coding change: c.4280C>T on transcript NM_015346.4 (MANE Select); coding-DNA position 4280, C replaced by T.
Protein change: p.Ser1427Phe; replaces serine 1427 with phenylalanine.
Molecular consequence: missense variant.
Genome position (GRCh38, 1-based): chr14:67,782,872, G>A on the plus strand (C>T on the coding strand, the complement: ZFYVE26 is on the minus strand). VCF-style: chr14-67782872-G-A. GRCh37 (hg19) VCF-style: chr14-68249589-G-A.
Other names: short protein forms S1427F.
Identifiers: ClinVar variation 1896976 (VCV001896976.2), dbSNP rs773756637, ClinGen allele CA7239809.